The following is an entry in ClinVar:

ClinVar aggregate classification (germline): Uncertain significance. Review status: criteria provided, multiple submitters, no conflicts (2 of 4 stars). 7 submissions from 7 submitters: Uncertain significance (7). Last evaluated 2025-11-09.

Conditions:
DSP-related disorder. Also called: DSP-related disorders; DSP-related condition.
Arrhythmogenic right ventricular dysplasia 8 (ARVD8). Also called: Arrhythmogenic Right Ventricular Dysplasia/Cardiomyopathy 8; ARRHYTHMOGENIC RIGHT VENTRICULAR DYSPLASIA, FAMILIAL, 8; ARRHYTHMOGENIC RIGHT VENTRICULAR CARDIOMYOPATHY 8. Identifiers: MedGen C1843896, MONDO:0011831, OMIM 607450.
Keratosis palmoplantaris striata 2. Also called: Keratosis palmoplantaris striata II; KERATODERMA, PALMOPLANTAR, STRIATE FORM II; STRIATE PALMOPLANTAR KERATODERMA II. Identifiers: MedGen C1852127, MONDO:0013034, OMIM 612908.
Arrhythmogenic cardiomyopathy with wooly hair and keratoderma. Also called: Dilated cardiomyopathy with woolly hair and keratoderma; Arrhythmogenic cardiomyopathy with woolly hair and keratoderma; Carvajal syndrome; PALMOPLANTAR KERATODERMA WITH LEFT VENTRICULAR CARDIOMYOPATHY AND WOOLLY HAIR. Identifiers: Orphanet 65282, MedGen C1854063, MONDO:0011581, OMIM 605676.
Lethal acantholytic epidermolysis bullosa (EBLA). Identifiers: Orphanet 158687, MedGen C1864826, MONDO:0012323, OMIM 609638.
Cardiomyopathy, dilated, with wooly hair, keratoderma, and tooth agenesis. Also called: Cardiomyopathy, dilated, with woolly hair, keratoderma, and tooth agenesis; Erythrokeratodermia-cardiomyopathy syndrome. Identifiers: Orphanet 476096, Orphanet 65282, MedGen C4014393, MONDO:0014355, OMIM 615821.
Cardiovascular phenotype. Identifiers: MedGen CN230736.
Cardiomyopathy (CMYO). Also called: Cardiomyopathies. Identifiers: Orphanet 167848, MedGen C0878544, MONDO:0004994, HP:0001638. Inheritance: Various modes of inheritance.

Allele frequency attached by ClinVar (database versions not stated): gnomAD exomes below 0.00001; gnomAD 0.00003; TOPMed 0.00003.
gnomAD v4.1: 49 of 1,613,966 alleles (0.003%); highest among the groups gnomAD compares: Non-Finnish European, 0.0041%; no homozygotes.

Submissions (7):

Labcorp Genetics (formerly Invitae), Labcorp
Classification: Uncertain significance for Arrhythmogenic cardiomyopathy with wooly hair and keratoderma; Arrhythmogenic right ventricular dysplasia 8. Last evaluated: 2025-11-09. Review status: criteria provided, single submitter. Criteria: Invitae Variant Classification Sherloc (09022015). Collection method: clinical testing. Allele origin: germline.
Comment: This sequence change replaces lysine, which is basic and polar, with glutamic acid, which is acidic and polar, at codon 1498 of the DSP protein (p.Lys1498Glu). This variant is present in population databases (rs794728122, gnomAD 0.002%). This variant has not been reported in the literature in individuals affected with DSP-related conditions. ClinVar contains an entry for this variant (Variation ID: 199886). An algorithm developed to predict the effect of missense changes on protein structure and function (PolyPhen-2) suggests that this variant is likely to be tolerated. In summary, the available evidence is currently insufficient to determine the role of this variant in disease. Therefore, it has been classified as a Variant of Uncertain Significance.

Dasa
Classification: Uncertain significance. Last evaluated: 2025-08-06. Review status: criteria provided, single submitter. Criteria: DASA Assertion Criteria. Collection method: clinical testing. Allele origin: germline.
Comment: NM_004415.4(DSP):c.4492A>G (p.Lys1498Glu) is a missense variant that results in the substitution of lysine with glutamic acid. This variant is rare in population databases. Computational prediction algorithms are consistent with a benign effect. The currently available literature and clinical evidence are not sufficient to establish a definitive association between this variant and the reported condition. Therefore, this variant is classified as a variant of uncertain significance.

PreventionGenetics, part of Exact Sciences
Classification: Uncertain significance for DSP-related condition. Last evaluated: 2025-06-10. Review status: criteria provided, single submitter. Criteria: ACMG Guidelines, 2015. Collection method: clinical testing. Allele origin: germline.
Comment: The DSP c.4492A>G variant is predicted to result in the amino acid substitution p.Lys1498Glu. To our knowledge, this variant has not been reported in the literature. This variant is reported in 0.0016% of alleles in individuals of European (Non-Finnish) descent in gnomAD. At this time, the clinical significance of this variant is uncertain due to the absence of conclusive functional and genetic evidence.

GeneDx
Classification: Uncertain significance. Last evaluated: 2024-09-16. Review status: criteria provided, single submitter. Criteria: GeneDx Variant Classification Process June 2021. Collection method: clinical testing. Allele origin: germline. Affected: yes.
Comment: Not observed at significant frequency in large population cohorts (gnomAD); In silico analysis indicates that this missense variant does not alter protein structure/function; Has not been previously published as pathogenic or benign to our knowledge

Ambry Genetics
Classification: Uncertain significance for Cardiovascular phenotype. Last evaluated: 2024-06-14. Review status: criteria provided, single submitter. Criteria: Ambry Variant Classification Scheme 2023. Collection method: clinical testing. Allele origin: germline.
Comment: The p.K1498E variant (also known as c.4492A>G), located in coding exon 23 of the DSP gene, results from an A to G substitution at nucleotide position 4492. The lysine at codon 1498 is replaced by glutamic acid, an amino acid with similar properties. This amino acid position is conserved. In addition, this alteration is predicted to be tolerated by in silico analysis. Based on the available evidence, the clinical significance of this variant remains unclear.

Color Diagnostics, LLC DBA Color Health
Classification: Uncertain significance for Cardiomyopathy. Last evaluated: 2024-03-06. Review status: criteria provided, single submitter. Criteria: ACMG Guidelines, 2015. Collection method: clinical testing. Allele origin: germline.
Comment: This missense variant replaces lysine with glutamic acid at codon 1498 of the DSP protein. Computational prediction suggests that this variant may not impact protein structure and function (internally defined REVEL score threshold <= 0.5, PMID: 27666373). To our knowledge, functional studies have not been reported for this variant. This variant has not been reported in individuals affected with cardiovascular disorders in the literature. This variant has been identified in 2/280916 chromosomes in the general population by the Genome Aggregation Database (gnomAD). The available evidence is insufficient to determine the role of this variant in disease conclusively. Therefore, this variant is classified as a Variant of Uncertain Significance.

Center for Genomics, Ann and Robert H. Lurie Children's Hospital of Chicago
Classification: Uncertain significance for Arrhythmogenic right ventricular dysplasia 8; Lethal acantholytic epidermolysis bullosa; Keratosis palmoplantaris striata 2; Cardiomyopathy, dilated, with wooly hair, keratoderma, and tooth agenesis; Arrhythmogenic cardiomyopathy with wooly hair and keratoderma. Review status: criteria provided, single submitter. Criteria: ACMG Guidelines, 2015. Collection method: clinical testing. Allele origin: germline.
Comment: DSP NM_004415.3 exon 23 p.Lys1498Glu (c.4492A>G): This variant has not been reported in the literature but is present in 0.001% (2/127720) of European alleles in the Genome Aggregation Database. This variant is present in ClinVar (Variation ID:199886). Evolutionary conservation and computational predictive tools suggest that this variant may not impact the protein. In summary, data on this variant is insufficient for disease classification. Therefore, the clinical significance of this variant is uncertain

NM_004415.4(DSP):c.4492A>G (p.Lys1498Glu)

Gene: DSP (desmoplakin; plus strand). Cytogenetic location: 6p24.3.
Variant type: single nucleotide variant.
Coding change: c.4492A>G on transcript NM_004415.4 (MANE Select); coding-DNA position 4492, A replaced by G.
Protein change: p.Lys1498Glu; replaces lysine 1498 with glutamic acid.
Molecular consequence: missense variant. On other transcripts: intron variant (2).
Genome position (GRCh38, 1-based): chr6:7,580,682, A>G. VCF-style: chr6-7580682-A-G. GRCh37 (hg19) VCF-style: chr6-7580915-A-G.
Other names: p.K1498E:AAA>GAA; c.4050+442A>G (NM_001319034.2); c.3582+910A>G (NM_001008844.3); c.4492A>G (LRG_423t1, NM_004415.3); short protein forms K1498E.
Identifiers: ClinVar variation 199886 (VCV000199886.16), dbSNP rs794728122, ClinGen allele CA004507.
Genomic context (GRCh38, chr6:7,580,682, plus strand): 5'-GATAAAAACAAGGAGATAGAAAGGTTAAAACAACTGATCGACAAAGAAACAAATGACCGG[A>G]AATGCCTGGAAGATGAAAACGCGAGATTACAAAGGGTCCAGTATGACCTGCAGAAAGCAA-3'
Protein context (NP_004406.2, residues 1488-1508): QLIDKETNDR[Lys1498Glu]CLEDENARLQ